The following is an entry in ClinVar:

ClinVar aggregate classification (germline): Uncertain significance. Review status: criteria provided, multiple submitters, no conflicts (2 of 4 stars). 2 submissions from 2 submitters: Uncertain significance (2). Last evaluated 2026-06-04.

Conditions:
Inborn genetic diseases. Identifiers: MedGen C0950123, MeSH D030342.
Epidermolysis bullosa simplex with nail dystrophy (EBS5D). Identifiers: MedGen C4225309, MONDO:0014661, OMIM 616487.
Autosomal recessive limb-girdle muscular dystrophy type 2Q (LGMDR17). Also called: MUSCULAR DYSTROPHY, LIMB-GIRDLE, AUTOSOMAL RECESSIVE 17. Identifiers: Orphanet 254361, MedGen C3150989, MONDO:0013390, OMIM 613723.
Epidermolysis bullosa simplex, Ogna type (EBS5A). Also called: Pidermolysis bullosa simplex 5A, Ogna type; EPIDERMOLYSIS BULLOSA SIMPLEX 5A, OGNA TYPE. Identifiers: Orphanet 79401, MedGen C0432317, MONDO:0007555, OMIM 131950.
Epidermolysis bullosa simplex 5C, with pyloric atresia (EBS5C). Also called: PLEC-Related Epidermolysis Bullosa with Pyloric Atresia; Epidermolysis bullosa simplex with pyloric atresia; PLEC1-Related Epidermolysis Bullosa with Pyloric Atresia. Identifiers: Orphanet 158684, MedGen C2677349, MONDO:0012807, OMIM 612138.
Epidermolysis bullosa simplex 5B, with muscular dystrophy (EBS5B). Also called: EPIDERMOLYSIS BULLOSA SIMPLEX AND LIMB-GIRDLE MUSCULAR DYSTROPHY; Epidermolysis bullosa simplex with muscular dystrophy. Identifiers: Orphanet 257, MedGen C2931072, MONDO:0009181, OMIM 226670.

Allele frequency attached by ClinVar (database versions not stated): gnomAD 0.00005; gnomAD exomes 0.00001; TOPMed 0.00003; ExAC 0.00014.
gnomAD v4.1: 16 of 1,539,194 alleles (0.001%); highest among the groups gnomAD compares: African/African-American, 0.0082%; no homozygotes.

Submissions (2):

Ambry Genetics
Classification: Uncertain significance for Inborn genetic diseases. Last evaluated: 2026-06-04. Review status: criteria provided, single submitter. Criteria: Ambry Variant Classification Scheme 2023. Collection method: clinical testing. Allele origin: germline.

Labcorp Genetics (formerly Invitae), Labcorp
Classification: Uncertain significance for Autosomal recessive limb-girdle muscular dystrophy type 2Q; Epidermolysis bullosa simplex, Ogna type; Epidermolysis bullosa simplex with nail dystrophy; Epidermolysis bullosa simplex 5C, with pyloric atresia; Epidermolysis bullosa simplex 5B, with muscular dystrophy. Last evaluated: 2022-09-13. Review status: criteria provided, single submitter. Criteria: Invitae Variant Classification Sherloc (09022015). Collection method: clinical testing. Allele origin: germline.
Comment: In summary, the available evidence is currently insufficient to determine the role of this variant in disease. Therefore, it has been classified as a Variant of Uncertain Significance. Advanced modeling of protein sequence and biophysical properties (such as structural, functional, and spatial information, amino acid conservation, physicochemical variation, residue mobility, and thermodynamic stability) performed at Invitae indicates that this missense variant is expected to disrupt PLEC protein function. This variant has not been reported in the literature in individuals affected with PLEC-related conditions. This variant is present in population databases (rs782193157, gnomAD 0.01%). This sequence change replaces glutamic acid, which is acidic and polar, with lysine, which is basic and polar, at codon 1648 of the PLEC protein (p.Glu1648Lys).

NM_201384.3(PLEC):c.4861G>A (p.Glu1621Lys)

Gene: PLEC (plectin; minus strand). Cytogenetic location: 8q24.3.
Variant type: single nucleotide variant.
Coding change: c.4861G>A on transcript NM_201384.3 (MANE Select); coding-DNA position 4861, G replaced by A.
Protein change: p.Glu1621Lys; replaces glutamic acid 1621 with lysine.
Molecular consequence: missense variant.
Genome position (GRCh38, 1-based): chr8:143,925,068, C>T on the plus strand (G>A on the coding strand, the complement: PLEC is on the minus strand). VCF-style: chr8-143925068-C-T. GRCh37 (hg19) VCF-style: chr8-144999236-C-T.
Other names: c.4942G>A (NM_000445.3); c.4942G>A, p.Glu1648Lys (NM_000445.5); c.4819G>A, p.Glu1607Lys (NM_201378.4); c.4795G>A, p.Glu1599Lys (NM_201379.3); c.5272G>A, p.Glu1758Lys (NM_201380.4); c.4765G>A, p.Glu1589Lys (NM_201381.3); c.4861G>A, p.Glu1621Lys (NM_201382.4); c.4873G>A, p.Glu1625Lys (NM_201383.3); short protein forms E1599K, E1607K, E1621K, E1648K, E1758K, E1589K, E1625K.
Identifiers: ClinVar variation 2038144 (VCV002038144.5), dbSNP rs782193157, ClinGen allele CA4926519.